The following is an entry in ClinVar:

NM_000235.4(LIPA):c.253C>A (p.Gln85Lys)

Gene: LIPA (lipase A, lysosomal acid type; minus strand). Cytogenetic location: 10q23.31.
Variant type: single nucleotide variant.
Coding change: c.253C>A on transcript NM_000235.4 (MANE Select); coding-DNA position 253, C replaced by A.
Protein change: p.Gln85Lys; replaces glutamine 85 with lysine.
Molecular consequence: missense variant. On other transcripts: 5 prime UTR variant (1).
Genome position (GRCh38, 1-based): chr10:89,228,375, G>T on the plus strand (C>A on the coding strand, the complement: LIPA is on the minus strand). VCF-style: chr10-89228375-G-T. GRCh37 (hg19) VCF-style: chr10-90988132-G-T.
Other names: c.253C>A, p.Gln85Lys (NM_001127605.3); c.-96C>A (NM_001288979.2); short protein forms Q85K.
Identifiers: ClinVar variation 695063 (VCV000695063.14), dbSNP rs797045094, ClinGen allele CA377518111.

ClinVar aggregate classification (germline): Pathogenic/Likely pathogenic. Review status: criteria provided, multiple submitters, no conflicts (2 of 4 stars). 6 submissions from 6 submitters: Pathogenic (3); Likely pathogenic (3). Last evaluated 2025-11-11.

Conditions:
Cholesteryl ester storage disease (CESD). Also called: Childhood/Adult-Onset LAL-D (Cholesterol Ester Storage Disease [CESD]). Identifiers: Orphanet 75234, MedGen C0008384, MONDO:0019149, OMIM 278000.
LIPA-related disorder. Also called: LIPA-related disorders; LIPA-related condition.
Wolman disease (WOLD). Also called: LAL DEFICIENCY, COMPLETE; CHOLESTEROL ESTER HYDROLASE DEFICIENCY, COMPLETE; Wolman disease with hypolipoproteinemia and acanthocytosis; Wolman disease, CESD; Infantile-Onset LAL-D (Wolman Disease); LYSOSOMAL ACID LIPASE DEFICIENCY, ACUTE INFANTILE. Identifiers: Orphanet 75233, MedGen C0043208, MONDO:0019148, OMIM 620151.
Lysosomal acid lipase deficiency. Also called: Acid cholesteryl ester hydrolase deficiency, type 2. Identifiers: Orphanet 275761, MedGen C5574740, MONDO:0800449, MONDO:0010204.

Allele frequency attached by ClinVar (database versions not stated): gnomAD exomes below 0.00001.
gnomAD v4.1: 2 of 1,614,202 alleles (0.00012%); highest among the groups gnomAD compares: East Asian, 0.0022%; no homozygotes.

Submissions (6):

Labcorp Genetics (formerly Invitae), Labcorp
Classification: Pathogenic for Wolman disease. Last evaluated: 2025-11-11. Review status: criteria provided, single submitter. Criteria: Invitae Variant Classification Sherloc (09022015). Collection method: clinical testing. Allele origin: germline.
Comment: This sequence change replaces glutamine, which is neutral and polar, with lysine, which is basic and polar, at codon 85 of the LIPA protein (p.Gln85Lys). This variant is present in population databases (no rsID available, gnomAD 0.003%). This missense change has been observed in individuals with lysosomal acid lipase deficiency (PMID: 25624737, 31182375; internal data). It has also been observed to segregate with disease in related individuals. ClinVar contains an entry for this variant (Variation ID: 695063). Invitae Evidence Modeling of protein sequence and biophysical properties (such as structural, functional, and spatial information, amino acid conservation, physicochemical variation, residue mobility, and thermodynamic stability) indicates that this missense variant is expected to disrupt LIPA protein function with a positive predictive value of 95%. Experimental studies have shown that this missense change affects LIPA function (PMID: 29196158, 31131398, 31180157). This variant disrupts the p.Gln85 amino acid residue in LIPA. Other variant(s) that disrupt this residue have been observed in individuals with LIPA-related conditions (PMID: 9684740), which suggests that this may be a clinically significant amino acid residue. For these reasons, this variant has been classified as Pathogenic.

PreventionGenetics, part of Exact Sciences
Classification: Likely pathogenic for LIPA-related condition. Last evaluated: 2025-04-22. Review status: criteria provided, single submitter. Criteria: ACMG Guidelines, 2015. Collection method: clinical testing. Allele origin: germline.
Comment: The LIPA c.253C>A variant is predicted to result in the amino acid substitution p.Gln85Lys. This variant has been reported in the homozygous or compound heterozygous state in individuals with lysosomal acid lipase deficiency (Santillán-Hernández et al 2015. PubMed ID: 25624737; Consuelo-Sánchez et al. 2019. PubMed ID: 31182375). Functional studies have shown this variant affects protein stability and disrupts enzyme activity (Vinje et al. 2018. PubMed ID: 29196158; Vinje et al. 2019. PubMed ID: 31131398; Del Angel et al. 2019. PubMed ID: 31180157). A different missense variant impacting the same amino acid (p.Gln85Arg) has been reported in an individual with cholesterol ester storage disease (Referred to as Q64R, Pagani et al. 1998. PubMed ID: 9684740). This variant is reported in 0.0029% of alleles in individuals of Latino descent in gnomAD. This variant is interpreted as likely pathogenic.

Natera, Inc.
Classification: Likely pathogenic for Lysosomal acid lipase deficiency. Last evaluated: 2024-03-15. Review status: criteria provided, single submitter. Criteria: Natera Variant Classification Schema (03/2026). Collection method: clinical testing. Allele origin: germline.
Comment: The c.253C>A variant in LIPA is a missense variant predicted to cause substitution of glutamine to lysine at amino acid 85. This variant is rare in the general population with a frequency below the threshold expected for the associated phenotype(s). This variant has been observed in one or more individuals affected with the associated recessive disease, as either homozygous or compound heterozygous with a second variant (PMID: 31182375, 25624737). Additionally, this variant has been observed to segregate in affected family members (PMID: 31182375, 25624737). Functional studies show that this variant may disrupt protein function (PMID: 29196158). A different variant at the same position has been determined to be Pathogenic or Likely Pathogenic. Computational prediction algorithms indicate this variant is likely to affect gene or protein function. Given the available evidence, this variant is classified as Likely Pathogenic.

Women's Health and Genetics/Laboratory Corporation of America, LabCorp
Classification: Pathogenic for Wolman disease. Last evaluated: 2022-03-02. Review status: criteria provided, single submitter. Criteria: LabCorp Variant Classification Summary - May 2015. Collection method: clinical testing. Allele origin: germline.
Comment: Variant summary: LIPA c.253C>A (p.Gln85Lys) results in a conservative amino acid change located in the Alpha/beta hydrolase fold-1 domain of the encoded protein sequence. Four of five in-silico tools predict a damaging effect of the variant on protein function. The variant allele was found at a frequency of 4e-06 in 251360 control chromosomes. c.253C>A has been reported in the literature in individuals affected with Lysosomal Acid Lipase Deficiency in the homozygous and compound heterozygous state (Consuelo-Sanchez_2019, Cappuccio_2019). These data indicate that the variant is likely to be associated with disease. A functional study reports the variant the result in <10% enzyme activity in transiently transfected cell lysates (Vinje_2018). In addition, a different variant affecting the same codon (Q85R) has been reported in association with cholesterol ester storage disease (HGMD). One clinical diagnostic laboratory has submitted clinical-significance assessments for this variant to ClinVar after 2014 without evidence for independent evaluation. One laboratory classified the variant as likely pathogenic. Based on the evidence outlined above, the variant was classified as pathogenic.

Alexion, Astrazeneca Rare Disease, Astrazeneca
Classification: Likely pathogenic for Lysosomal acid lipase deficiency. Last evaluated: 2019-06-01. Review status: criteria provided, single submitter. Criteria: ACMG Guidelines, 2015. Collection method: research. Allele origin: germline. Affected: yes.
Comment: ACMG PS3 criterion ascertained by in-vitro functional study, PMID:31180157

Neuberg Centre For Genomic Medicine, NCGM
Classification: Pathogenic for Cholesteryl ester storage disease. Review status: criteria provided, single submitter. Criteria: ACMG Guidelines, 2015. Collection method: clinical testing. Allele origin: germline. Inheritance: Autosomal recessive inheritance. Affected: yes.
Comment: The observed missense c.253C>Ap.Gln85Lys variant in LIPA gene has been reported in compound heterozygous/ homozygous state in individuals affected with LIPA associated disorder Cappuccio G, et. al., 2019; Consuelo-Sánchez A, et. al., 2019; Del Angel G, et.al., 2019. Experimental studies have shown that this missense change affects LIPA function Pagani F, et.al., 1998. This variant is present with an allele frequency of 0.0004% in gnomAD Exomes database. This variant has been reported to the ClinVar database as Likely pathogenic/ Pathogenic. Multiple lines of computational evidence Polyphen - Probably Damaging, SIFT - Damaging and MutationTaster - Disease Causing predict damaging effect on protein structure and function for this variant. The reference amino acid in LIPA is predicted as conserved by GERP++ and PhyloP across 100 vertebrates. The amino acid Gln at position 85 is changed to a Lys changing protein sequence and it might alter its composition and physico-chemical properties. For these reasons, this variant has been classified as Pathogenic.

Literature cited by the submitters: PubMed 25624737 (cited by 3 submitters); PubMed 31182375 (cited by 3 submitters); PubMed 29196158 (cited by 3 submitters); PubMed 31131398 (cited by Labcorp Genetics (formerly Invitae), Labcorp); PubMed 31180157 (cited by Labcorp Genetics (formerly Invitae), Labcorp and Alexion, Astrazeneca Rare Disease, Astrazeneca); PubMed 9684740 (cited by Labcorp Genetics (formerly Invitae), Labcorp); PubMed 30684275 (cited by Women's Health and Genetics/Laboratory Corporation of America, LabCorp).